The following is an entry in ClinVar:

NM_016373.4(WWOX):c.-27G>A

Gene: WWOX (WW domain containing oxidoreductase; plus strand). Cytogenetic location: 16q23.1.
Variant type: single nucleotide variant.
Coding change: c.-27G>A on transcript NM_016373.4 (MANE Select); 27 bases upstream of the start codon, G replaced by A.
Molecular consequence: 5 prime UTR variant. On other transcripts: non-coding transcript variant (2).
Genome position (GRCh38, 1-based): chr16:78,099,752, G>A. VCF-style: chr16-78099752-G-A. GRCh37 (hg19) VCF-style: chr16-78133649-G-A.
Other names: c.-301G>A (NM_001291997.2); c.-27G>A (NM_130791.5).
Identifiers: ClinVar variation 509506 (VCV000509506.1), dbSNP rs570978891, ClinGen allele CA8182964.

ClinVar aggregate classification (germline): Likely benign (1 of 4 stars; one submission).

gnomAD v4.1: 55 of 1,524,082 alleles (0.0036%); highest among the groups gnomAD compares: South Asian, 0.022%; no homozygotes.

Submission:

GeneDx
Classification: Likely benign. Last evaluated: 2017-05-12. Review status: criteria provided, single submitter. Criteria: GeneDx Variant Classification (06012015). Collection method: clinical testing. Allele origin: germline. Affected: yes.
Comment: This variant is considered likely benign or benign based on one or more of the following criteria: it is a conservative change, it occurs at a poorly conserved position in the protein, it is predicted to be benign by multiple in silico algorithms, and/or has population frequency not consistent with disease.